The following is an entry in ClinVar:

ClinVar aggregate classification (germline): Benign/Likely benign. Review status: criteria provided, multiple submitters, no conflicts (2 of 4 stars). 7 submissions from 7 submitters: Benign (4); Likely benign (3). Last evaluated 2026-06-01.

Conditions:
Inborn genetic diseases. Identifiers: MedGen C0950123, MeSH D030342.

Allele frequency attached by ClinVar (database versions not stated): gnomAD exomes 0.00141; ExAC 0.00146; gnomAD 0.00184 and 0.00188; ESP Exome Variant Server 0.00200; 1000 Genomes Project 0.00220; TOPMed 0.00227; 1000 Genomes Project 30x 0.00281.
gnomAD v4.1: 1,551 of 1,604,072 alleles (0.097%); highest among the groups gnomAD compares: Middle Eastern, 1%; 4 homozygotes.

Submissions (7):

CeGaT Center for Human Genetics Tuebingen
Classification: Benign. Last evaluated: 2026-06-01. Review status: criteria provided, single submitter. Criteria: CeGaT Center For Human Genetics Tuebingen Variant Classification Criteria Version 2. Collection method: clinical testing. Allele origin: germline. Affected: yes. Observed: 6 variant alleles.
Comment: MECOM: BS1, BS2

Labcorp Genetics (formerly Invitae), Labcorp
Classification: Benign. Last evaluated: 2026-01-26. Review status: criteria provided, single submitter. Criteria: Invitae Variant Classification Sherloc (09022015). Collection method: clinical testing. Allele origin: germline.

Blueprint Genetics
Classification: Likely benign. Last evaluated: 2024-11-23. Review status: criteria provided, single submitter. Criteria: ACMG Guidelines, 2015. Collection method: clinical testing. Allele origin: germline.

Ambry Genetics
Classification: Likely benign for Inborn genetic diseases. Last evaluated: 2024-10-02. Review status: criteria provided, single submitter. Criteria: Ambry Variant Classification Scheme 2023. Collection method: clinical testing. Allele origin: germline.

Mayo Clinic Laboratories, Mayo Clinic
Classification: Likely benign. Last evaluated: 2023-08-09. Review status: criteria provided, single submitter. Criteria: ACMG Guidelines, 2015. Collection method: clinical testing. Allele origin: germline. Observed: 4 variant alleles.
Comment: BP4, BP7

Genetic Services Laboratory, University of Chicago
Classification: Benign. Last evaluated: 2021-06-14. Review status: criteria provided, single submitter. Criteria: ACMG Guidelines, 2015. Collection method: clinical testing. Allele origin: germline. Affected: no.

Breakthrough Genomics
Classification: Benign. Review status: criteria provided, single submitter. Criteria: ACMG Guidelines, 2015. Collection method: not provided. Allele origin: germline. Inheritance: Autosomal dominant inheritance. Affected: yes.

NM_004991.4(MECOM):c.3012C>T (p.Asn1004=)

Gene: MECOM (MDS1 and EVI1 complex locus; minus strand). Cytogenetic location: 3q26.2.
Variant type: single nucleotide variant.
Coding change: c.3012C>T on transcript NM_004991.4 (MANE Select); coding-DNA position 3012, C replaced by T.
Protein change: p.Asn1004=; no amino-acid change (asparagine 1004 retained).
Molecular consequence: synonymous variant.
Genome position (GRCh38, 1-based): chr3:169,095,083, G>A on the plus strand (C>T on the coding strand, the complement: MECOM is on the minus strand). VCF-style: chr3-169095083-G-A. GRCh37 (hg19) VCF-style: chr3-168812871-G-A.
Other names: p.Asn1004=; c.2643C>T, p.Asn881= (NM_001105077.4); c.2448C>T, p.Asn816= (NM_001105078.4, NM_001205194.2, NM_001366469.2 and 1 more transcripts); c.2424C>T, p.Asn808= (NM_001163999.2, NM_001366470.2); c.2421C>T, p.Asn807= (NM_001164000.2, NM_001366471.2, NM_001366472.2); c.2985C>T, p.Asn995= (NM_001366466.2); c.2451C>T, p.Asn817= (NM_001366467.2, NM_001366468.2); c.2013C>T, p.Asn671= (NM_001366473.2); and 2 more.
Identifiers: ClinVar variation 770896 (VCV000770896.43), dbSNP rs116736168, ClinGen allele CA2696018.